The following is an entry in ClinVar:

NM_002473.6(MYH9):c.615C>T (p.Gly205=)

Gene: MYH9 (myosin heavy chain 9; minus strand). Cytogenetic location: 22q12.3.
Variant type: single nucleotide variant.
Coding change: c.615C>T on transcript NM_002473.6 (MANE Select); coding-DNA position 615, C replaced by T.
Protein change: p.Gly205=; no amino-acid change (glycine 205 retained).
Molecular consequence: synonymous variant.
Genome position (GRCh38, 1-based): chr22:36,322,519, G>A on the plus strand (C>T on the coding strand, the complement: MYH9 is on the minus strand). VCF-style: chr22-36322519-G-A. GRCh37 (hg19) VCF-style: chr22-36718564-G-A.
Other names: p.Gly205=; c.615C>T (NM_002473.5).
Identifiers: ClinVar variation 227618 (VCV000227618.23), dbSNP rs139466141, ClinGen allele CA10210534.

ClinVar aggregate classification (germline): Benign/Likely benign. Review status: criteria provided, multiple submitters, no conflicts (2 of 4 stars). 9 submissions from 8 submitters: Benign (2); Likely benign (6). 1 of the submissions does not count toward it. Last evaluated 2026-01-01.

Conditions:
MYH9-related disorder. Identifiers: MedGen C1854520.
Autosomal dominant nonsyndromic hearing loss 17. Also called: Autosomal dominant nonsyndromic deafness 17; Deafness, autosomal dominant 17. Identifiers: Orphanet 90635, MedGen C1863659, MONDO:0011350, OMIM 603622.

Allele frequency attached by ClinVar (database versions not stated): gnomAD exomes 0.00024; ExAC 0.00027; 1000 Genomes Project 0.00060; ESP Exome Variant Server 0.00077; 1000 Genomes Project 30x 0.00078; gnomAD 0.00088 and 0.00090; TOPMed 0.00090.
gnomAD v4.1: 320 of 1,613,594 alleles (0.02%); highest among the groups gnomAD compares: African/African-American, 0.29%; 3 homozygotes.

Submissions (10):

Labcorp Genetics (formerly Invitae), Labcorp
Classification: Benign. Last evaluated: 2026-01-01. Review status: criteria provided, single submitter. Criteria: Invitae Variant Classification Sherloc (09022015). Collection method: clinical testing. Allele origin: germline.

Mayo Clinic Laboratories, Mayo Clinic
Classification: Likely benign. Last evaluated: 2025-07-29. Review status: criteria provided, single submitter. Criteria: ACMG Guidelines, 2015. Collection method: clinical testing. Allele origin: germline. Observed: 1 variant allele.
Comment: BS1, BP4, BP7

Blueprint Genetics
Classification: Likely benign. Last evaluated: 2024-11-01. Review status: criteria provided, single submitter. Criteria: ACMG Guidelines, 2015. Collection method: clinical testing. Allele origin: germline.

GeneDx
Classification: Likely benign. Last evaluated: 2021-01-13. Review status: criteria provided, single submitter. Criteria: GeneDx Variant Classification Process June 2021. Collection method: clinical testing. Allele origin: germline. Affected: yes.

Illumina Laboratory Services, Illumina
Classification: Likely benign for Autosomal dominant nonsyndromic hearing loss 17. Last evaluated: 2018-01-13. Review status: criteria provided, single submitter. Criteria: ICSL Variant Classification Criteria 13 December 2019. Collection method: clinical testing. Allele origin: germline.
Comment: This variant was observed in the ICSL laboratory as part of a predisposition screen in an ostensibly healthy population. It had not been previously curated by ICSL or reported in the Human Gene Mutation Database (HGMD: prior to June 1st, 2018), and was therefore a candidate for classification through an automated scoring system. Utilizing variant allele frequency, disease prevalence and penetrance estimates, and inheritance mode, an automated score was calculated to assess if this variant is too frequent to cause the disease. Based on the score and internal cut-off values, a variant classified as likely benign is not then subjected to further curation. The score for this variant resulted in a classification of likely benign for this disease.

Illumina Laboratory Services, Illumina
Classification: Benign for MYH9-related disorder. Last evaluated: 2018-01-13. Review status: criteria provided, single submitter. Criteria: ICSL Variant Classification Criteria 13 December 2019. Collection method: clinical testing. Allele origin: germline.
Comment: This variant was observed in the ICSL laboratory as part of a predisposition screen in an ostensibly healthy population. It had not been previously curated by ICSL or reported in the Human Gene Mutation Database (HGMD: prior to June 1st, 2018), and was therefore a candidate for classification through an automated scoring system. Utilizing variant allele frequency, disease prevalence and penetrance estimates, and inheritance mode, an automated score was calculated to assess if this variant is too frequent to cause the disease. Based on the score and internal cut-off values, a variant classified as benign is not then subjected to further curation. The score for this variant resulted in a classification of benign for this disease.

Laboratory for Molecular Medicine, Mass General Brigham Personalized Medicine
Classification: Likely benign. Last evaluated: 2012-04-30. Review status: criteria provided, single submitter. Criteria: LMM Criteria. Collection method: clinical testing. Allele origin: germline. Observed: 1 variant allele.
Comment: p.Gly205Gly in Exon 06 of MYH9: This variant is not expected to have clinical si gnificance because it does not alter an amino acid residue, is not located withi n the splice consensus sequence, and has been identified in 0.3% (27/9958) of Af rican chromosomes including 1 homozygote by the Exome Aggregation Consortium (dbSNP rs139466141).

Breakthrough Genomics
Classification: Likely benign. Review status: criteria provided, single submitter. Criteria: ACMG Guidelines, 2015. Collection method: not provided. Allele origin: germline. Inheritance: Autosomal dominant inheritance. Affected: yes.

PreventionGenetics, part of Exact Sciences
Classification: Likely benign for MYH9-related condition. Last evaluated: 2022-01-13. Review status: no assertion criteria provided. Collection method: clinical testing. Allele origin: germline. Not counted in ClinVar's aggregate classification.
Comment: This variant is classified as likely benign based on ACMG/AMP sequence variant interpretation guidelines (Richards et al. 2015 PMID: 25741868, with internal and published modifications).

Dr. Peter K. Rogan Lab, Western University
No classification provided (evidence only). Condition: Cervical cancer. Review status: no classification provided. Collection method: in vitro. Allele origin: not applicable. Functional consequence: retained intron. Not counted in ClinVar's aggregate classification.